The following is an entry in ClinVar:

ClinVar aggregate classification (germline): Uncertain significance. Review status: criteria provided, multiple submitters, no conflicts (2 of 4 stars). 2 submissions from 2 submitters: Uncertain significance (2). Last evaluated 2023-10-17.

Conditions:
DCTN1-related disorder. Also called: DCTN1-related condition.
Perry syndrome. Also called: PARKINSONISM WITH ALVEOLAR HYPOVENTILATION AND MENTAL DEPRESSION. Identifiers: Orphanet 178509, MedGen C1868594, MONDO:0008201, OMIM 168605.
Neuronopathy, distal hereditary motor, type 7B. Also called: LOWER MOTOR NEURON DISEASE, DYNACTIN TYPE; NEURONOPATHY, DISTAL HEREDITARY MOTOR, AUTOSOMAL DOMINANT 14; NEURONOPATHY, DISTAL HEREDITARY MOTOR, HARDING TYPE VIIB; NEUROPATHY, DISTAL HEREDITARY MOTOR, HARDING TYPE VIIB; NEUROPATHY, DISTAL HEREDITARY MOTOR, WITH VOCAL CORD PARALYSIS, HARDING TYPE VIIB; HMN VIIB. Identifiers: Orphanet 139589, MedGen C1843315, MONDO:0011879, OMIM 607641.
Amyotrophic lateral sclerosis type 1 (ALS1). Also called: AMYOTROPHIC LATERAL SCLEROSIS 1, FAMILIAL. Identifiers: Orphanet 803, MedGen C1862939, MONDO:0007103, OMIM 105400.

Allele frequency attached by ClinVar (database versions not stated): gnomAD exomes 0.00001; TOPMed 0.00002.
gnomAD v4.1: 10 of 1,614,196 alleles (0.00062%); highest among the groups gnomAD compares: Admixed American, 0.005%; no homozygotes.

Submissions (2):

Labcorp Genetics (formerly Invitae), Labcorp
Classification: Uncertain significance for Amyotrophic lateral sclerosis type 1; Neuronopathy, distal hereditary motor, type 7B; Perry syndrome. Last evaluated: 2023-10-17. Review status: criteria provided, single submitter. Criteria: Invitae Variant Classification Sherloc (09022015). Collection method: clinical testing. Allele origin: germline.
Comment: This sequence change replaces asparagine, which is neutral and polar, with aspartic acid, which is acidic and polar, at codon 894 of the DCTN1 protein (p.Asn894Asp). This variant is not present in population databases (gnomAD no frequency). This variant has not been reported in the literature in individuals affected with DCTN1-related conditions. ClinVar contains an entry for this variant (Variation ID: 451462). Advanced modeling of protein sequence and biophysical properties (such as structural, functional, and spatial information, amino acid conservation, physicochemical variation, residue mobility, and thermodynamic stability) performed at Invitae indicates that this missense variant is not expected to disrupt DCTN1 protein function. In summary, the available evidence is currently insufficient to determine the role of this variant in disease. Therefore, it has been classified as a Variant of Uncertain Significance.

GeneDx
Classification: Uncertain significance. Last evaluated: 2017-08-15. Review status: criteria provided, single submitter. Criteria: GeneDx Variant Classification (06012015). Collection method: clinical testing. Allele origin: germline. Affected: yes.
Comment: The N894D variant in the DCTN1 gene has not been reported previously as a pathogenic variant, nor as a benign variant, to our knowledge. The N894D variant is not observed in large population cohorts (Lek et al., 2016; 1000 Genomes Consortium et al., 2015; Exome Variant Server). The N894D variant is a semi-conservative amino acid substitution, which may impact secondary protein structure as these residues differ in some properties. This substitution is not within a known functional domain of the protein and occurs at a position where amino acids with similar properties to Asparagine are tolerated across species. In silico analysis is inconsistent in its predictions as to whether or not the variant is damaging to the protein structure/function. We interpret N894D as a variant of uncertain significance.

NM_004082.5(DCTN1):c.2680A>G (p.Asn894Asp)

Gene: DCTN1 (dynactin subunit 1; minus strand). Cytogenetic location: 2p13.1.
Variant type: single nucleotide variant.
Coding change: c.2680A>G on transcript NM_004082.5 (MANE Select); coding-DNA position 2680, A replaced by G.
Protein change: p.Asn894Asp; replaces asparagine 894 with aspartic acid.
Molecular consequence: missense variant. On other transcripts: non-coding transcript variant (1).
Genome position (GRCh38, 1-based): chr2:74,366,324, T>C on the plus strand (A>G on the coding strand, the complement: DCTN1 is on the minus strand). VCF-style: chr2-74366324-T-C. GRCh37 (hg19) VCF-style: chr2-74593451-T-C.
Other names: c.2611A>G, p.Asn871Asp (NM_001378992.1); c.2278A>G, p.Asn760Asp (NM_023019.4, NM_001135041.3); c.2620A>G, p.Asn874Asp (NM_001135040.3); c.2569A>G, p.Asn857Asp (NM_001190836.2); c.2659A>G, p.Asn887Asp (NM_001190837.2); c.2629A>G, p.Asn877Asp (NM_001378991.1); short protein forms N760D, N857D, N894D, N874D, N887D, N871D, N877D.
Identifiers: ClinVar variation 451462 (VCV000451462.11), dbSNP rs1437825772, ClinGen allele CA347343460.
Genomic context (GRCh38, chr2:74,366,324, plus strand): 5'-CATCATACTCCCCCTCCTGCATGGCTGTGGCCAGCTTGTTCATGGTACTGATGAGGATGT[T>C]GCATGACTGGCGCAGACACTCATAGGGGCTGCTGGAGGGGGTCCCATAGATCTGCAGGAG-3'
Protein context (NP_004073.2, residues 884-904): SPYECLRQSC[Asn894Asp]ILISTMNKLA